The following is an entry in ClinVar:

NM_033334.4(NR6A1):c.220A>T (p.Ile74Phe)

Gene: NR6A1 (nuclear receptor subfamily 6 group A member 1; minus strand). Cytogenetic location: 9q33.3.
Variant type: single nucleotide variant.
Coding change: c.220A>T on transcript NM_033334.4 (MANE Select); coding-DNA position 220, A replaced by T.
Protein change: p.Ile74Phe; replaces isoleucine 74 with phenylalanine.
Molecular consequence: missense variant.
Genome position (GRCh38, 1-based): chr9:124,554,493, T>A on the plus strand (A>T on the coding strand, the complement: NR6A1 is on the minus strand). VCF-style: chr9-124554493-T-A. GRCh37 (hg19) VCF-style: chr9-127316772-T-A.
Other names: c.208A>T, p.Ile70Phe (NM_001278546.2, NM_001489.5); c.220A>T, p.Ile74Phe (NM_001410996.1); short protein forms I70F, I74F.
Identifiers: ClinVar variation 4759262 (VCV004759262.1).

ClinVar aggregate classification (germline): Likely pathogenic (1 of 4 stars; one submission).

Conditions:
Oculovertebral syndrome. Identifiers: MedGen C6065896, MONDO:0979866, OMIM 621277.

Submission:

Molecular Genetics of Human Eye Development, Oxford Brookes University
Classification: Likely pathogenic for Oculovertebral syndrome. Last evaluated: 2026-02-06. Review status: criteria provided, single submitter. Criteria: ACMG Guidelines, 2015. Collection method: research. Allele origin: inherited. Affected: yes. Observed: 3 variant alleles.
Comment: The NR6A1 c.220A>T; The variant is absent in genomic databases, including gnomAD v4.10, and predicted deleterious/damaging by in silico prediction tools including SIFT, PolyPhen and AlphaMissense. The variant is classified as likely pathogenic (PM1, PM2, PP1, PP3 - ACMG Guidelines, 2015 [PMID:25741868])